The following is an entry in ClinVar:

NM_002907.4(RECQL):c.173G>A (p.Ser58Asn)

Gene: RECQL (RecQ like helicase; minus strand). Cytogenetic location: 12p12.1.
Variant type: single nucleotide variant.
Coding change: c.173G>A on transcript NM_002907.4 (MANE Select); coding-DNA position 173, G replaced by A.
Protein change: p.Ser58Asn; replaces serine 58 with asparagine.
Molecular consequence: missense variant.
Genome position (GRCh38, 1-based): chr12:21,491,560, C>T on the plus strand (G>A on the coding strand, the complement: RECQL is on the minus strand). VCF-style: chr12-21491560-C-T. GRCh37 (hg19) VCF-style: chr12-21644494-C-T.
Other names: c.173G>A, p.Ser58Asn (NM_032941.3); short protein forms S58N.
Identifiers: ClinVar variation 1779171 (VCV001779171.6), dbSNP rs2136754900, ClinGen allele CA384134253.
Genomic context (GRCh38, chr12:21,491,560, plus strand): 5'-AAAAAAAAAAAAAGTTAACCTTCTTTATTCCAAGCGGCAGGTGAAGAATCATATTCATTG[C>T]TTGCCCCGGCATCAGAATCCTCTAAACACTGCTTTATTTTCTTTGTCAGGACTTTTTTTT-3'
Protein context (NP_002898.2, residues 48-68): QCLEDSDAGA[Ser58Asn]NEYDSSPAAW

ClinVar aggregate classification (germline): Uncertain significance. Review status: criteria provided, multiple submitters, no conflicts (2 of 4 stars). 2 submissions from 2 submitters: Uncertain significance (2). Last evaluated 2024-07-26.

Allele frequency attached by ClinVar (database versions not stated): gnomAD exomes below 0.00001.
gnomAD v4.1: 1 of 1,611,008 alleles (0.000062%); highest among the groups gnomAD compares: Non-Finnish European, 0.000085%; no homozygotes.

Submissions (2):

Ambry Genetics
Classification: Uncertain significance. Last evaluated: 2024-07-26. Review status: criteria provided, single submitter. Criteria: Ambry Variant Classification Scheme 2023. Collection method: clinical testing. Allele origin: germline.
Comment: The p.S58N variant (also known as c.173G>A), located in coding exon 2 of the RECQL gene, results from a G to A substitution at nucleotide position 173. The serine at codon 58 is replaced by asparagine, an amino acid with highly similar properties. This amino acid position is conserved. In addition, this alteration is predicted to be tolerated by in silico analysis. Since supporting evidence is limited at this time, the clinical significance of this alteration remains unclear.

Labcorp Genetics (formerly Invitae), Labcorp
Classification: Uncertain significance. Last evaluated: 2023-05-02. Review status: criteria provided, single submitter. Criteria: Invitae Variant Classification Sherloc (09022015). Collection method: clinical testing. Allele origin: germline.
Comment: ClinVar contains an entry for this variant (Variation ID: 1779171). This variant has not been reported in the literature in individuals affected with RECQL-related conditions. This variant is not present in population databases (gnomAD no frequency). This sequence change replaces serine, which is neutral and polar, with asparagine, which is neutral and polar, at codon 58 of the RECQL protein (p.Ser58Asn). An algorithm developed to predict the effect of missense changes on protein structure and function (PolyPhen-2) suggests that this variant is likely to be disruptive. In summary, the available evidence is currently insufficient to determine the role of this variant in disease. Therefore, it has been classified as a Variant of Uncertain Significance.